The following is an entry in ClinVar:

ClinVar aggregate classification (germline): Benign/Likely benign. Review status: criteria provided, multiple submitters, no conflicts (2 of 4 stars). 3 submissions from 3 submitters: Benign (1); Likely benign (2). Last evaluated 2025-10-26.

Conditions:
Glycogen storage disease due to phosphoglycerate kinase 1 deficiency. Also called: PGK1 DEFICIENCY; PHOSPHOGLYCERATE KINASE 1 DEFICIENCY WITH LEVO-DOPA-RESPONSIVE PARKINSONISM. Identifiers: Orphanet 713, MedGen C1970848, MONDO:0010392, OMIM 300653.
PGK1-related disorder. Also called: PGK1-related condition.

Allele frequency attached by ClinVar (database versions not stated): gnomAD 0.00007 and 0.00008; TOPMed 0.00015; gnomAD exomes 0.00051; ExAC 0.00058.
gnomAD v4.1: 112 of 1,208,469 alleles (0.0093%); highest among the groups gnomAD compares: Admixed American, 0.24%; 2 homozygotes.

Submissions (3):

Labcorp Genetics (formerly Invitae), Labcorp
Classification: Benign. Last evaluated: 2025-10-26. Review status: criteria provided, single submitter. Criteria: Invitae Variant Classification Sherloc (09022015). Collection method: clinical testing. Allele origin: germline.

PreventionGenetics, part of Exact Sciences
Classification: Likely benign for PGK1-related condition. Last evaluated: 2025-01-21. Review status: criteria provided, single submitter. Criteria: ACMG Guidelines, 2015. Collection method: clinical testing. Allele origin: germline.
Comment: This variant is classified as likely benign based on ACMG/AMP sequence variant interpretation guidelines (Richards et al. 2015 PMID: 25741868, with internal and published modifications).

Fulgent Genetics
Classification: Likely benign for Glycogen storage disease due to phosphoglycerate kinase 1 deficiency. Last evaluated: 2022-04-09. Review status: criteria provided, single submitter. Criteria: ACMG Guidelines, 2015. Collection method: clinical testing. Allele origin: unknown.

NM_000291.4(PGK1):c.129T>C (p.Ala43=)

Gene: PGK1 (phosphoglycerate kinase 1; plus strand). Cytogenetic location: Xq21.1.
Variant type: single nucleotide variant.
Coding change: c.129T>C on transcript NM_000291.4 (MANE Select); coding-DNA position 129, T replaced by C.
Protein change: p.Ala43=; no amino-acid change (alanine 43 retained).
Molecular consequence: synonymous variant.
Genome position (GRCh38, 1-based): chrX:78,113,756, T>C. VCF-style: chrX-78113756-T-C. GRCh37 (hg19) VCF-style: chrX-77369253-T-C.
Other names: c.129T>C (NM_000291.3).
Identifiers: ClinVar variation 1608202 (VCV001608202.11), dbSNP rs781822299, ClinGen allele CA10459622.
Genomic context (GRCh38, chrX:78,113,756, plus strand): 5'-ATTTCTAGGAGTAACTTCATTCTGTTTGTTGTCTCTCTTTGGTTGCAGGATTAAGGCTGC[T>C]GTCCCAAGCATCAAATTCTGCTTGGACAATGGAGCCAAGTCGGTAGTCCTTATGAGCCAC-3'
Protein context (NP_000282.1, residues 33-53): QITNNQRIKA[Ala43=]VPSIKFCLDN